The following is an entry in ClinVar:

ClinVar aggregate classification (germline): Likely benign. Review status: criteria provided, multiple submitters, no conflicts (2 of 4 stars). 2 submissions from 2 submitters: Likely benign (2). Last evaluated 2025-10-26.

Conditions:
Charcot-Marie-Tooth disease axonal type 2O. Also called: CHARCOT-MARIE-TOOTH NEUROPATHY, AXONAL, TYPE 2O; CHARCOT-MARIE-TOOTH DISEASE, AXONAL, AUTOSOMAL DOMINANT, TYPE 2O; Charcot-Marie-Tooth Neuropathy Type 2O; Charcot-Marie-Tooth disease, axonal, type 20. Identifiers: Orphanet 284232, MedGen C3280220, MONDO:0013644, OMIM 614228.

Allele frequency attached by ClinVar (database versions not stated): TOPMed 0.00002; gnomAD 0.00003 and 0.00004; ExAC 0.00004; gnomAD exomes 0.00004.

Submissions (2):

Labcorp Genetics (formerly Invitae), Labcorp
Classification: Likely benign for Charcot-Marie-Tooth disease axonal type 2O. Last evaluated: 2025-10-26. Review status: criteria provided, single submitter. Criteria: Invitae Variant Classification Sherloc (09022015). Collection method: clinical testing. Allele origin: germline.

GeneDx
Classification: Likely benign. Last evaluated: 2017-07-10. Review status: criteria provided, single submitter. Criteria: GeneDx Variant Classification (06012015). Collection method: clinical testing. Allele origin: germline. Affected: yes.
Comment: This variant is considered likely benign or benign based on one or more of the following criteria: it is a conservative change, it occurs at a poorly conserved position in the protein, it is predicted to be benign by multiple in silico algorithms, and/or has population frequency not consistent with disease.

NM_001376.5(DYNC1H1):c.8177+13G>A

Gene: DYNC1H1 (dynein cytoplasmic 1 heavy chain 1; plus strand). Cytogenetic location: 14q32.31.
Variant type: single nucleotide variant.
Coding change: c.8177+13G>A on transcript NM_001376.5 (MANE Select); 13 bases into the intron after coding-DNA position 8177, G replaced by A.
Molecular consequence: intron variant.
Genome position (GRCh38, 1-based): chr14:102,017,517, G>A. VCF-style: chr14-102017517-G-A. GRCh37 (hg19) VCF-style: chr14-102483854-G-A.
Identifiers: ClinVar variation 510692 (VCV000510692.8), dbSNP rs779567607, ClinGen allele CA7352945.
Genomic context (GRCh38, chr14:102,017,517, plus strand): 5'-GGCTTGTAATCCCCCCACAGACCCTGGAAGAAAGCCCCTCTCACACAGGTAAAACAGCTC[G>A]GTAGACTGCTCTGCTTCACACACGCACAGCTCCAGGATTGCTGTAAACACAGCGCCACAA-3'